The following is an entry in ClinVar:

NM_001002294.3(FMO3):c.670del (p.Val224fs)

Gene: FMO3 (flavin containing dimethylaniline monoxygenase 3; plus strand). Cytogenetic location: 1q24.3.
Variant type: Deletion.
Coding change: c.670del on transcript NM_001002294.3 (MANE Select); coding-DNA position 670, one base deleted (G; older notation c.670delG).
Protein change: p.Val224fs; shifts the reading frame from valine 224.
Molecular consequence: frameshift variant.
Genome position (GRCh38, 1-based): chr1:171,110,840, G deleted; the last of 3 consecutive G bases (chr1:171,110,838-171,110,840); deleting any one gives the same sequence. VCF-style (leftmost placement, unchanged base first): chr1-171110837-CG-C. GRCh37 (hg19) VCF-style: chr1-171079978-CG-C.
Other names: c.610del, p.Val204fs (NM_001319173.2); c.481del, p.Val161fs (NM_001319174.2); c.670del, p.Val224fs (NM_006894.6); short protein forms V161fs, V204fs, V224fs.
Identifiers: ClinVar variation 5015920 (VCV005015920.1).

ClinVar aggregate classification (germline): Pathogenic (1 of 4 stars; one submission).

Conditions:
Trimethylaminuria (TMAU). Also called: FISH-ODOR SYNDROME; Fish malodor syndrome; Stale fish syndrome; TMAuria; Primary Trimethylaminuria. Identifiers: MedGen C0342739, MONDO:0011182, OMIM 602079, HP:0003614. Disease mechanism: loss of function.

Submission:

Myriad Genetics, Inc.
Classification: Pathogenic for Trimethylaminuria. Last evaluated: 2026-05-17. Review status: criteria provided, single submitter. Criteria: Myriad Autosomal Dominant, Autosomal Recessive and X-Linked Classification Criteria (2023). Collection method: clinical testing. Allele origin: unknown.
Comment: NM_001002294.2(FMO3):c.670delG(V224Sfs*34) is expected to be pathogenic in the context of primary trimethylaminuria. This variant is predicted to lead to an abnormal or absent protein product due to the creation of a premature termination codon in FMO3, a gene where loss-of-function variants are known to be pathogenic. Please note: this variant was assessed in the context of healthy population screening.